The following is an entry in ClinVar:

ClinVar aggregate classification (germline): Benign/Likely benign. Review status: criteria provided, multiple submitters, no conflicts (2 of 4 stars). 3 submissions from 3 submitters: Benign (1); Likely benign (1). 1 of the submissions does not count toward it. Last evaluated 2024-02-11.

Conditions:
FCSK-related disorder. Also called: FCSK-related condition.

Allele frequency attached by ClinVar (database versions not stated): gnomAD 0.00003; TOPMed 0.00004; 1000 Genomes Project 0.00180; 1000 Genomes Project 30x 0.00187.
gnomAD v4.1: 847 of 1,614,210 alleles (0.052%); highest among the groups gnomAD compares: South Asian, 0.79%; 9 homozygotes.

Submissions (3):

Labcorp Genetics (formerly Invitae), Labcorp
Classification: Benign. Last evaluated: 2024-02-11. Review status: criteria provided, single submitter. Criteria: Invitae Variant Classification Sherloc (09022015). Collection method: clinical testing. Allele origin: germline.

CeGaT Center for Human Genetics Tuebingen
Classification: Likely benign. Last evaluated: 2022-12-01. Review status: criteria provided, single submitter. Criteria: CeGaT Center For Human Genetics Tuebingen Variant Classification Criteria Version 2. Collection method: clinical testing. Allele origin: germline. Affected: yes. Observed: 1 variant allele.
Comment: FCSK: BP4, BS2

PreventionGenetics, part of Exact Sciences
Classification: Benign for FCSK-related condition. Last evaluated: 2019-07-02. Review status: no assertion criteria provided. Collection method: clinical testing. Allele origin: germline. Not counted in ClinVar's aggregate classification.
Comment: This variant is classified as benign based on ACMG/AMP sequence variant interpretation guidelines (Richards et al. 2015 PMID: 25741868, with internal and published modifications).

NM_145059.3(FCSK):c.2741C>T (p.Thr914Met)

Gene: FCSK (fucose kinase; plus strand). Cytogenetic location: 16q22.1.
Variant type: single nucleotide variant.
Coding change: c.2741C>T on transcript NM_145059.3 (MANE Select); coding-DNA position 2741, C replaced by T.
Protein change: p.Thr914Met; replaces threonine 914 with methionine.
Molecular consequence: missense variant.
Genome position (GRCh38, 1-based): chr16:70,478,371, C>T. VCF-style: chr16-70478371-C-T. GRCh37 (hg19) VCF-style: chr16-70512274-C-T.
Other names: c.2741C>T (NM_145059.2); short protein forms T914M.
Identifiers: ClinVar variation 1682400 (VCV001682400.33), dbSNP rs200944357, ClinGen allele CA8143722.